The following is an entry in ClinVar:

NM_001271.4(CHD2):c.4944TGG[2] (p.Gly1651del)

Gene: CHD2 (chromodomain helicase DNA binding protein 2; plus strand). Cytogenetic location: 15q26.1.
Variant type: Microsatellite.
Coding change: c.4944TGG[2] on transcript NM_001271.4 (MANE Select); two copies in a row of the 3-base unit TGG starting at c.4944; the reference has three copies in a row; one copy, 3 bases deleted.
Protein change: p.Gly1651del; deletes glycine 1651.
Molecular consequence: inframe deletion.
Genome position (GRCh38, 1-based): chr15:93,020,055-93,020,057, TGG deleted; deleting any 3 consecutive bases within chr15:93,020,049-93,020,057 gives the same sequence; the position shown is the placement nearest the transcript's 3' end. VCF-style (leftmost placement, unchanged base first): chr15-93020048-ATGG-A. GRCh37 (hg19) VCF-style: chr15-93563278-ATGG-A.
Other names: short protein forms G1651del.
Identifiers: ClinVar variation 858069 (VCV000858069.11), dbSNP rs988975454, ClinGen allele CA274888350.

ClinVar aggregate classification (germline): Uncertain significance. Review status: criteria provided, multiple submitters, no conflicts (2 of 4 stars). 2 submissions from 2 submitters: Uncertain significance (2). Last evaluated 2025-07-28.

Conditions:
Developmental and epileptic encephalopathy 94 (DEE94). Also called: Epileptic encephalopathy, childhood-onset; CHD2-Related Neurodevelopmental Disorders. Identifiers: Orphanet 1942, Orphanet 2382, MedGen C3809278, MONDO:0014150, OMIM 615369.

Submissions (2):

Labcorp Genetics (formerly Invitae), Labcorp
Classification: Uncertain significance for Developmental and epileptic encephalopathy 94. Last evaluated: 2025-07-28. Review status: criteria provided, single submitter. Criteria: Invitae Variant Classification Sherloc (09022015). Collection method: clinical testing. Allele origin: germline.
Comment: This variant, c.4950_4952del, results in the deletion of 1 amino acid(s) of the CHD2 protein (p.Gly1651del), but otherwise preserves the integrity of the reading frame. This variant is present in population databases (no rsID available, gnomAD 0.01%). This variant has not been reported in the literature in individuals affected with CHD2-related conditions. This variant has been observed in at least one individual who was not affected with CHD2-related conditions (internal data). ClinVar contains an entry for this variant (Variation ID: 858069). Experimental studies and prediction algorithms are not available or were not evaluated, and the functional significance of this variant is currently unknown. In summary, the available evidence is currently insufficient to determine the role of this variant in disease. Therefore, it has been classified as a Variant of Uncertain Significance.

GeneDx
Classification: Uncertain significance. Last evaluated: 2023-12-07. Review status: criteria provided, single submitter. Criteria: GeneDx Variant Classification Process June 2021. Collection method: clinical testing. Allele origin: germline. Affected: yes.
Comment: In-frame deletion of 1 amino acid in a non-repeat region; In silico analysis supports a deleterious effect on protein structure/function; Has not been previously published as pathogenic or benign to our knowledge